The following is an entry in ClinVar:

ClinVar aggregate classification (germline): Benign/Likely benign. Review status: criteria provided, multiple submitters, no conflicts (2 of 4 stars). 11 submissions from 11 submitters: Benign (6); Likely benign (4). 1 of the submissions does not count toward it. Last evaluated 2026-03-01.

Conditions:
Lung cancer. Also called: Lung cancer, somatic; Malignant tumor of lung. Identifiers: MedGen C0242379, MONDO:0008903, OMIM 211980.
Hereditary cancer-predisposing syndrome. Also called: Tumor predisposition; Hereditary neoplastic syndrome; Neoplastic Syndromes, Hereditary; Hereditary Cancer Syndrome. Identifiers: Orphanet 140162, MedGen C0027672, MeSH D009386, MONDO:0015356.
EGFR-related lung cancer (EGFR). Identifiers: MedGen CN130014.

Allele frequency attached by ClinVar (database versions not stated): gnomAD 0.00672; TOPMed 0.00756; ESP Exome Variant Server 0.00892; 1000 Genomes Project 0.00899; 1000 Genomes Project 30x 0.00984.
gnomAD v4.1: 2,249 of 1,614,186 alleles (0.14%); highest among the groups gnomAD compares: African/African-American, 2.7%; 24 homozygotes.

Submissions (11):

CeGaT Center for Human Genetics Tuebingen
Classification: Benign. Last evaluated: 2026-03-01. Review status: criteria provided, single submitter. Criteria: CeGaT Center For Human Genetics Tuebingen Variant Classification Criteria Version 2. Collection method: clinical testing. Allele origin: germline. Affected: yes. Observed: 4 variant alleles.
Comment: EGFR: BS1, BS2

Labcorp Genetics (formerly Invitae), Labcorp
Classification: Benign for EGFR-related lung cancer. Last evaluated: 2026-02-04. Review status: criteria provided, single submitter. Criteria: Invitae Variant Classification Sherloc (09022015). Collection method: clinical testing. Allele origin: germline.

Dasa
Classification: Benign. Last evaluated: 2025-12-12. Review status: criteria provided, single submitter. Criteria: DASA Assertion Criteria. Collection method: clinical testing. Allele origin: germline.
Comment: NM_005228.5(EGFR):c.2963A>C (p.His988Pro) is interpreted as benign based on a combination of available evidence, including population frequency, and observations in unaffected individuals. Based on the available data, this variant is classified as benign.

Mayo Clinic Laboratories, Mayo Clinic
Classification: Likely benign. Last evaluated: 2025-10-09. Review status: criteria provided, single submitter. Criteria: ACMG Guidelines, 2015. Collection method: clinical testing. Allele origin: germline. Observed: 1 variant allele.
Comment: BS1, BP4_moderate

Ambry Genetics
Classification: Benign for Hereditary cancer-predisposing syndrome. Last evaluated: 2024-08-23. Review status: criteria provided, single submitter. Criteria: Ambry Variant Classification Scheme 2023. Collection method: clinical testing. Allele origin: germline.

ARUP Laboratories, Molecular Genetics and Genomics, ARUP Laboratories
Classification: Benign. Last evaluated: 2023-09-18. Review status: criteria provided, single submitter. Criteria: ARUP Molecular Germline Variant Investigation Process 2024. Collection method: clinical testing. Allele origin: germline.

KCCC/NGS Laboratory, Kuwait Cancer Control Center
Classification: Likely benign for Lung cancer. Last evaluated: 2023-07-07. Review status: criteria provided, single submitter. Criteria: ACMG Guidelines, 2015. Collection method: clinical testing. Allele origin: germline. Affected: yes.

GeneDx
Classification: Likely benign. Last evaluated: 2021-06-15. Review status: criteria provided, single submitter. Criteria: GeneDx Variant Classification Process June 2021. Collection method: clinical testing. Allele origin: germline. Affected: yes.
Comment: This variant is associated with the following publications: (PMID: 19455431, 20049516, 30306255)

Sema4
Classification: Benign for Hereditary cancer-predisposing syndrome. Last evaluated: 2021-04-30. Review status: criteria provided, single submitter. Criteria: Sema4 Curation Guidelines. Collection method: curation. Allele origin: germline.

Breakthrough Genomics
Classification: Likely benign. Review status: criteria provided, single submitter. Criteria: ACMG Guidelines, 2015. Collection method: not provided. Allele origin: germline. Inheritance: Autosomal recessive inheritance. Affected: yes.

ITMI
No classification provided. Condition: AllHighlyPenetrant. Last evaluated: 2013-09-19. Review status: no classification provided. Collection method: reference population. Allele origin: germline. Not counted in ClinVar's aggregate classification.
Comment: Please see associated publication for description of ethnicities

Literature cited by the submitters: PubMed 24728327 (cited by ITMI).

NM_005228.5(EGFR):c.2963A>C (p.His988Pro)

Gene: EGFR (epidermal growth factor receptor; plus strand). Cytogenetic location: 7p11.2.
Variant type: single nucleotide variant.
Coding change: c.2963A>C on transcript NM_005228.5 (MANE Select); coding-DNA position 2963, A replaced by C.
Protein change: p.His988Pro; replaces histidine 988 with proline.
Molecular consequence: missense variant.
Genome position (GRCh38, 1-based): chr7:55,201,204, A>C. VCF-style: chr7-55201204-A-C. GRCh37 (hg19) VCF-style: chr7-55268897-A-C.
Other names: c.2828A>C, p.His943Pro (NM_001346897.2, NM_001346899.2); c.2963A>C, p.His988Pro (NM_001346898.2); c.2804A>C, p.His935Pro (NM_001346900.2); c.2162A>C, p.His721Pro (NM_001346941.2); c.2963A>C (NM_005228.4); short protein forms H988P, H935P, H943P, H721P.
Identifiers: ClinVar variation 134029 (VCV000134029.33), dbSNP rs17290699, ClinGen allele CA158465.